The following is an entry in ClinVar:

NM_002691.4(POLD1):c.394G>A (p.Asp132Asn)

Gene: POLD1 (DNA polymerase delta 1, catalytic subunit; plus strand). Cytogenetic location: 19q13.33.
Variant type: single nucleotide variant.
Coding change: c.394G>A on transcript NM_002691.4 (MANE Select); coding-DNA position 394, G replaced by A.
Protein change: p.Asp132Asn; replaces aspartic acid 132 with asparagine.
Molecular consequence: missense variant. On other transcripts: non-coding transcript variant (1).
Genome position (GRCh38, 1-based): chr19:50,401,855, G>A. VCF-style: chr19-50401855-G-A. GRCh37 (hg19) VCF-style: chr19-50905112-G-A.
Other names: c.394G>A, p.Asp132Asn (NM_001256849.1, NM_001308632.1); c.394G>A (NM_002691.2); short protein forms D132N.
Identifiers: ClinVar variation 239347 (VCV000239347.20), dbSNP rs781132734, ClinGen allele CA9595721.
Genomic context (GRCh38, chr19:50,401,855, plus strand): 5'-CCTGGGGGGCCCCCACCATCCCGCGGCTCCGTGCCTGTGCTCCGCGCCTTCGGGGTCACC[G>A]ATGAGGGGTTCTCTGTCTGCTGCCACATCCACGGCTTCGCTCCCTACTTCTACACCCCAG-3'
Protein context (NP_002682.2, residues 122-142): VPVLRAFGVT[Asp132Asn]EGFSVCCHIH

ClinVar aggregate classification (germline): Uncertain significance. Review status: criteria provided, multiple submitters, no conflicts (2 of 4 stars). 7 submissions from 7 submitters: Uncertain significance (7). Last evaluated 2025-12-29.

Conditions:
POLD1-related disorder. Also called: POLD1-related condition; POLD1-related disorders.
Hereditary cancer-predisposing syndrome. Also called: Hereditary Cancer Syndrome; Neoplastic Syndromes, Hereditary; Hereditary neoplastic syndrome; Tumor predisposition. Identifiers: Orphanet 140162, MedGen C0027672, MeSH D009386, MONDO:0015356.
POLD1-related polyposis and colorectal cancer syndrome (CRCS10). Also called: COLORECTAL CANCER, SUSCEPTIBILITY TO, ON CHROMOSOME 19q; Colorectal cancer 10; Colorectal cancer, susceptibility to, 10. Identifiers: Orphanet 220460, MedGen C2675481, MONDO:0012953, OMIM 612591.

Allele frequency attached by ClinVar (database versions not stated): gnomAD 0.00001; gnomAD exomes 0.00001; TOPMed 0.00001; ExAC 0.00002.

Submissions (7):

Center for Genomic Medicine, Rigshospitalet, Copenhagen University Hospital
Classification: Uncertain significance. Last evaluated: 2025-12-29. Review status: criteria provided, single submitter. Criteria: ACMG Guidelines, 2015. Collection method: clinical testing. Allele origin: germline.

Labcorp Genetics (formerly Invitae), Labcorp
Classification: Uncertain significance for POLD1-related polyposis and colorectal cancer syndrome. Last evaluated: 2025-12-24. Review status: criteria provided, single submitter. Criteria: Invitae Variant Classification Sherloc (09022015). Collection method: clinical testing. Allele origin: germline.
Comment: This sequence change replaces aspartic acid, which is acidic and polar, with asparagine, which is neutral and polar, at codon 132 of the POLD1 protein (p.Asp132Asn). This variant is present in population databases (rs781132734, gnomAD 0.003%). This variant has not been reported in the literature in individuals affected with POLD1-related conditions. ClinVar contains an entry for this variant (Variation ID: 239347). Invitae Evidence Modeling of protein sequence and biophysical properties (such as structural, functional, and spatial information, amino acid conservation, physicochemical variation, residue mobility, and thermodynamic stability) indicates that this missense variant is not expected to disrupt POLD1 protein function with a negative predictive value of 80%. In summary, the available evidence is currently insufficient to determine the role of this variant in disease. Therefore, it has been classified as a Variant of Uncertain Significance.

PreventionGenetics, part of Exact Sciences
Classification: Uncertain significance for POLD1-related condition. Last evaluated: 2024-10-24. Review status: criteria provided, single submitter. Criteria: ACMG Guidelines, 2015. Collection method: clinical testing. Allele origin: germline.
Comment: The POLD1 c.394G>A variant is predicted to result in the amino acid substitution p.Asp132Asn. To our knowledge, this variant has not been reported in the literature. This variant is reported in 0.0033% of alleles in individuals of South Asian descent in gnomAD and is reported as a variant of uncertain significance in ClinVar. At this time, the clinical significance of this variant is uncertain due to the absence of conclusive functional and genetic evidence.

Ambry Genetics
Classification: Uncertain significance for Hereditary cancer-predisposing syndrome. Last evaluated: 2023-12-29. Review status: criteria provided, single submitter. Criteria: Ambry Variant Classification Scheme 2023. Collection method: clinical testing. Allele origin: germline.
Comment: The p.D132N variant (also known as c.394G>A), located in coding exon 3 of the POLD1 gene, results from a G to A substitution at nucleotide position 394. The aspartic acid at codon 132 is replaced by asparagine, an amino acid with highly similar properties. This amino acid position is conserved. In addition, this alteration is predicted to be tolerated by in silico analysis. Since supporting evidence is limited at this time, the clinical significance of this alteration remains unclear.

GeneDx
Classification: Uncertain significance. Last evaluated: 2023-10-10. Review status: criteria provided, single submitter. Criteria: GeneDx Variant Classification Process June 2021. Collection method: clinical testing. Allele origin: germline. Affected: yes.
Comment: Not observed at significant frequency in large population cohorts (gnomAD); In silico analysis supports that this missense variant does not alter protein structure/function; Has not been previously published as pathogenic or benign to our knowledge

Women's Health and Genetics/Laboratory Corporation of America, LabCorp
Classification: Uncertain significance. Last evaluated: 2021-09-27. Review status: criteria provided, single submitter. Criteria: LabCorp Variant Classification Summary - May 2015. Collection method: clinical testing. Allele origin: germline.
Comment: Variant summary: POLD1 c.394G>A (p.Asp132Asn) results in a conservative amino acid change located in the exonuclease domain (IPR006133) of the encoded protein sequence. Four of five in-silico tools predict a benign effect of the variant on protein function. The variant allele was found at a frequency of 1.2e-05 in 251214 control chromosomes (gnomAD). The available data on variant occurrences in the general population are insufficient to allow any conclusion about variant significance. To our knowledge, no occurrence of c.394G>A in individuals affected with Colorectal Cancer and no experimental evidence demonstrating its impact on protein function have been reported. Three clinical diagnostic laboratories have submitted clinical-significance assessments for this variant to ClinVar after 2014, and all of them classified the variant as uncertain significance. Based on the evidence outlined above, the variant was classified as uncertain significance.

Quest Diagnostics Nichols Institute San Juan Capistrano
Classification: Uncertain significance. Last evaluated: 2019-11-22. Review status: criteria provided, single submitter. Criteria: Quest Diagnostics criteria. Collection method: clinical testing. Allele origin: unknown.